The following is an entry in ClinVar:

ClinVar aggregate classification (germline): Likely benign. Review status: criteria provided, multiple submitters, no conflicts (2 of 4 stars). 2 submissions from 2 submitters: Likely benign (2). Last evaluated 2024-05-30.

Conditions:
Hypertrophic cardiomyopathy. Also called: HYPERTROPHIC MYOCARDIOPATHY. Identifiers: Orphanet 217569, MedGen C0007194, MeSH D002312, MONDO:0005045, HP:0001639.
Cardiomyopathy (CMYO). Also called: Cardiomyopathies. Identifiers: Orphanet 167848, MedGen C0878544, MONDO:0004994, HP:0001638. Inheritance: Various modes of inheritance.

Submissions (2):

All of Us Research Program, National Institutes of Health
Classification: Likely benign for Hypertrophic cardiomyopathy. Last evaluated: 2024-05-30. Review status: criteria provided, single submitter. Criteria: ACMG Guidelines, 2015. Collection method: clinical testing. Allele origin: germline. Inheritance: Autosomal dominant inheritance. Observed: 1 variant allele, 1 heterozygote.
Comment: This study involves interpretation of variants in research participants for the purpose of population health screening. Participant phenotype was not available at the time of variant classification. Additional details can be found in publication PMID: 35346344, PMCID: PMC8962531

Color Diagnostics, LLC DBA Color Health
Classification: Likely benign for Cardiomyopathy. Last evaluated: 2024-04-24. Review status: criteria provided, single submitter. Criteria: ACMG Guidelines, 2015. Collection method: clinical testing. Allele origin: germline.

NM_000256.3(MYBPC3):c.1603C>T (p.Leu535=)

Gene: MYBPC3 (myosin binding protein C3; minus strand). Cytogenetic location: 11p11.2.
Variant type: single nucleotide variant.
Coding change: c.1603C>T on transcript NM_000256.3 (MANE Select); coding-DNA position 1603, C replaced by T.
Protein change: p.Leu535=; no amino-acid change (leucine 535 retained).
Molecular consequence: synonymous variant.
Genome position (GRCh38, 1-based): chr11:47,342,599, G>A on the plus strand (C>T on the coding strand, the complement: MYBPC3 is on the minus strand). VCF-style: chr11-47342599-G-A. GRCh37 (hg19) VCF-style: chr11-47364150-G-A.
Identifiers: ClinVar variation 3387130 (VCV003387130.2).